The following is an entry in ClinVar:

NM_020937.4(FANCM):c.3424A>G (p.Thr1142Ala)

Gene: FANCM (FA complementation group M; plus strand). Cytogenetic location: 14q21.2.
Variant type: single nucleotide variant.
Coding change: c.3424A>G on transcript NM_020937.4 (MANE Select); coding-DNA position 3424, A replaced by G.
Protein change: p.Thr1142Ala; replaces threonine 1142 with alanine.
Molecular consequence: missense variant.
Genome position (GRCh38, 1-based): chr14:45,176,178, A>G. VCF-style: chr14-45176178-A-G. GRCh37 (hg19) VCF-style: chr14-45645381-A-G.
Other names: c.3346A>G, p.Thr1116Ala (NM_001308133.2); short protein forms T1116A, T1142A.
Identifiers: ClinVar variation 4022654 (VCV004022654.1).

ClinVar aggregate classification (germline): Uncertain significance (1 of 4 stars; one submission).

Conditions:
Inborn genetic diseases. Identifiers: MedGen C0950123, MeSH D030342.

Submission:

Ambry Genetics
Classification: Uncertain significance for Inborn genetic diseases. Last evaluated: 2025-04-05. Review status: criteria provided, single submitter. Criteria: Ambry Variant Classification Scheme 2023. Collection method: clinical testing. Allele origin: germline.
Comment: The p.T1142A variant (also known as c.3424A>G), located in coding exon 14 of the FANCM gene, results from an A to G substitution at nucleotide position 3424. The threonine at codon 1142 is replaced by alanine, an amino acid with similar properties. This amino acid position is conserved. In addition, this alteration is predicted to be tolerated by in silico analysis. Based on the available evidence, the clinical significance of this variant remains unclear.